The following is an entry in ClinVar:

NC_000015.9:g.(?_80450382)_(80467453_?)dup

Gene: FAH (fumarylacetoacetate hydrolase; plus strand). Cytogenetic location: 15q25.1.
Variant type: Duplication.
Identifiers: ClinVar variation 3243758 (VCV003243758.1).

ClinVar aggregate classification (germline): Likely pathogenic (1 of 4 stars; one submission).

Conditions:
Tyrosinemia type I (TYRSN1). Also called: Tyrosinemia type 1; Fumarylacetoacetase deficiency; Deficiency of fumarylacetoacetase; HEPATORENAL TYROSINEMIA; FAH DEFICIENCY. Identifiers: Orphanet 882, MedGen C0268490, MONDO:0010161, OMIM 276700. Disease mechanism: loss of function.

Submission:

Labcorp Genetics (formerly Invitae), Labcorp
Classification: Likely pathogenic for Tyrosinemia type I. Last evaluated: 2023-06-13. Review status: criteria provided, single submitter. Criteria: Invitae Variant Classification Sherloc (09022015). Collection method: clinical testing. Allele origin: unknown.
Comment: In summary, the currently available evidence indicates that the variant is pathogenic, but additional data are needed to prove that conclusively. Therefore, this variant has been classified as Likely Pathogenic. This variant has not been reported in the literature in individuals affected with FAH-related conditions. This variant results in a copy number gain of the genomic region encompassing exon(s) 2-10 of the FAH gene. While the exact position of this variant cannot be determined from the data, sub-genic copy number gains are generally in tandem (PMID: 25640679). This variant is predicted to be out-of-frame, and may result in an absent or disrupted protein product. Loss-of-function variants in FAH are known to be pathogenic (PMID: 9101289, 9633815).

Literature cited by the submitters: PubMed 25640679; PubMed 9101289; PubMed 9633815.